The following is an entry in ClinVar:

NM_005476.7(GNE):c.1141G>T (p.Glu381Ter)

Gene: GNE (glucosamine (UDP-N-acetyl)-2-epimerase/N-acetylmannosamine kinase; minus strand). Cytogenetic location: 9p13.3.
Variant type: single nucleotide variant.
Coding change: c.1141G>T on transcript NM_005476.7 (MANE Select); coding-DNA position 1141, G replaced by T.
Protein change: p.Glu381Ter; replaces glutamic acid 381 with a stop codon.
Molecular consequence: nonsense.
Genome position (GRCh38, 1-based): chr9:36,227,388, C>A on the plus strand (G>T on the coding strand, the complement: GNE is on the minus strand). VCF-style: chr9-36227388-C-A. GRCh37 (hg19) VCF-style: chr9-36227385-C-A.
Other names: c.1234G>T, p.Glu412Ter (NM_001128227.3); c.1141G>T, p.Glu381Ter (NM_001190383.3); c.811G>T, p.Glu271Ter (NM_001190384.3); c.964G>T, p.Glu322Ter (NM_001190388.2, NM_001374798.1); c.988G>T, p.Glu330Ter (NM_001374797.1); short protein forms E271*, E322*, E330*, E381*, E412*.
Identifiers: ClinVar variation 5013127 (VCV005013127.1).

ClinVar aggregate classification (germline): Pathogenic (1 of 4 stars; one submission).

Conditions:
GNE myopathy (NM). Also called: INCLUSION BODY MYOPATHY 2, AUTOSOMAL RECESSIVE; MYOPATHY, DISTAL, WITH OR WITHOUT RIMMED VACUOLES; IBM 2; Inclusion body myopathy autosomal recessive; Inclusion body myopathy quadriceps sparing; NONAKA DISTAL MYOPATHY. Identifiers: Orphanet 602, MedGen C1853926, MONDO:0011603, OMIM 605820.

Submission:

Myriad Genetics, Inc.
Classification: Pathogenic for GNE myopathy. Last evaluated: 2024-06-01. Review status: criteria provided, single submitter. Criteria: Myriad Autosomal Dominant, Autosomal Recessive and X-Linked Classification Criteria (2023). Collection method: clinical testing. Allele origin: unknown.
Comment: NM_001128227.2(GNE):c.1234G>T(E412*) is expected to be pathogenic in the context of GNE myopathy. This variant is predicted to lead to an abnormal or absent protein product due to the creation of a premature termination codon in GNE, a gene where loss-of-function variants are known to be pathogenic. Please note: this variant was assessed in the context of healthy population screening.